The following is an entry in ClinVar:

NM_000059.4(BRCA2):c.3326C>G (p.Ala1109Gly)

Gene: BRCA2 (BRCA2 DNA repair associated; plus strand). Cytogenetic location: 13q13.1.
Variant type: single nucleotide variant.
Coding change: c.3326C>G on transcript NM_000059.4 (MANE Select); coding-DNA position 3326, C replaced by G.
Protein change: p.Ala1109Gly; replaces alanine 1109 with glycine.
Molecular consequence: missense variant. On other transcripts: non-coding transcript variant (1), intron variant (2).
Genome position (GRCh38, 1-based): chr13:32,337,681, C>G. VCF-style: chr13-32337681-C-G. GRCh37 (hg19) VCF-style: chr13-32911818-C-G.
Other names: c.3326C>G, p.Ala1109Gly (NM_001406719.1, NM_001406720.1); c.1909+4294C>G (NM_001406721.1); c.424+6651C>G (NM_001406722.1); short protein forms A1109G.
Identifiers: ClinVar variation 2761271 (VCV002761271.3), dbSNP rs41293479, ClinGen allele CA387776257.

ClinVar aggregate classification (germline): Uncertain significance (1 of 4 stars; one submission).

Conditions:
Hereditary breast ovarian cancer syndrome. Also called: Hereditary breast and ovarian cancer syndrome (HBOC); Hereditary breast and/or ovarian cancer syndrome; Hereditary breast and ovarian cancer syndrome; Breast and ovarian cancer; Hereditary breast and ovarian cancer; BRCA1- and BRCA2-Associated Hereditary Breast and Ovarian Cancer. Identifiers: Orphanet 145, MedGen C0677776, MeSH D061325, MONDO:0003582. Disease mechanism: loss of function.

Submission:

Labcorp Genetics (formerly Invitae), Labcorp
Classification: Uncertain significance for Hereditary breast ovarian cancer syndrome. Last evaluated: 2023-09-17. Review status: criteria provided, single submitter. Criteria: Invitae Variant Classification Sherloc (09022015). Collection method: clinical testing. Allele origin: germline.
Comment: In summary, the available evidence is currently insufficient to determine the role of this variant in disease. Therefore, it has been classified as a Variant of Uncertain Significance. Advanced modeling of protein sequence and biophysical properties (such as structural, functional, and spatial information, amino acid conservation, physicochemical variation, residue mobility, and thermodynamic stability) performed at Invitae indicates that this missense variant is not expected to disrupt BRCA2 protein function. This variant has not been reported in the literature in individuals affected with BRCA2-related conditions. This variant is not present in population databases (gnomAD no frequency). This sequence change replaces alanine, which is neutral and non-polar, with glycine, which is neutral and non-polar, at codon 1109 of the BRCA2 protein (p.Ala1109Gly).